The following is an entry in ClinVar:

NM_177438.3(DICER1):c.4264dup (p.Glu1422fs)

Gene: DICER1 (dicer 1, ribonuclease III; minus strand). Cytogenetic location: 14q32.13.
Variant type: Duplication.
Coding change: c.4264dup on transcript NM_177438.3 (MANE Select); coding-DNA position 4264, one base duplicated (G; older notation c.4264dupG).
Protein change: p.Glu1422fs; shifts the reading frame from glutamic acid 1422.
Molecular consequence: frameshift variant.
Genome position (GRCh38, 1-based): chr14:95,096,656, C duplicated on the plus strand (G on the coding strand, the reverse complement: DICER1 is on the minus strand). VCF-style (leftmost placement, unchanged base first): chr14-95096655-T-TC. GRCh37 (hg19) VCF-style: chr14-95562992-T-TC.
Other names: c.4264dup, p.Glu1422fs (NM_001195573.1, NM_001271282.3, NM_001291628.2 and 1 more transcripts); c.4264dupG (NM_177438.2); short protein forms E1422fs.
Identifiers: ClinVar variation 429130 (VCV000429130.5), dbSNP rs1131691202, ClinGen allele CA645369614.

ClinVar aggregate classification (germline): Pathogenic (1 of 4 stars; one submission).

Conditions:
Hereditary cancer-predisposing syndrome. Also called: Hereditary Cancer Syndrome; Neoplastic Syndromes, Hereditary; Hereditary neoplastic syndrome; Tumor predisposition. Identifiers: Orphanet 140162, MedGen C0027672, MeSH D009386, MONDO:0015356.

Allele frequency attached by ClinVar (database versions not stated): TOPMed below 0.00001.

Submission:

Ambry Genetics
Classification: Pathogenic for Hereditary cancer-predisposing syndrome. Last evaluated: 2014-10-30. Review status: criteria provided, single submitter. Criteria: Ambry Variant Classification Scheme 2023. Collection method: clinical testing. Allele origin: germline.
Comment: The c.4264dupG pathogenic mutation, located in coding exon 22 of the DICER1 gene, results from a duplication of G at nucleotide position 4264, causing a translational frameshift with a predicted alternate stop codon. Since frameshifts are typically deleterious in nature, this alteration is interpreted as a disease-causing mutation (ACMG Recommendations for Standards for Interpretation and Reporting of Sequence Variations. Revision 2007. Genet Med. 2008;10:294).